The following is an entry in ClinVar:

ClinVar aggregate classification (germline): Uncertain significance (1 of 4 stars; one submission).

Conditions:
Familial thoracic aortic aneurysm and aortic dissection (TAAD). Also called: Thoracic aortic aneurysms and dissections. Identifiers: Orphanet 91387, MedGen C4707243, MONDO:0019625.

Submission:

Ambry Genetics
Classification: Uncertain significance for Familial thoracic aortic aneurysm and aortic dissection. Last evaluated: 2022-01-12. Review status: criteria provided, single submitter. Criteria: Ambry Variant Classification Scheme 2023. Collection method: clinical testing. Allele origin: germline.
Comment: The p.P167A variant (also known as c.499C>G), located in coding exon 4 of the NOTCH1 gene, results from a C to G substitution at nucleotide position 499. The proline at codon 167 is replaced by alanine, an amino acid with highly similar properties. This amino acid position is conserved. In addition, this alteration is predicted to be tolerated by in silico analysis. Since supporting evidence is limited at this time, the clinical significance of this alteration remains unclear.

NM_017617.5(NOTCH1):c.499C>G (p.Pro167Ala)

Gene: NOTCH1 (notch receptor 1; minus strand). Cytogenetic location: 9q34.3.
Variant type: single nucleotide variant.
Coding change: c.499C>G on transcript NM_017617.5 (MANE Select); coding-DNA position 499, C replaced by G.
Protein change: p.Pro167Ala; replaces proline 167 with alanine.
Molecular consequence: missense variant.
Genome position (GRCh38, 1-based): chr9:136,523,093, G>C on the plus strand (C>G on the coding strand, the complement: NOTCH1 is on the minus strand). VCF-style: chr9-136523093-G-C. GRCh37 (hg19) VCF-style: chr9-139417545-G-C.
Other names: short protein forms P167A.
Identifiers: ClinVar variation 1744640 (VCV001744640.2), dbSNP rs1439038323, ClinGen allele CA375570875.
Genomic context (GRCh38, chr9:136,523,093, plus strand): 5'-CGGGCTTCTGGCCACACTCGTTGACATCCTGCCGGCAGGTGGGGCCATGGAAGCTGGGTG[G>C]GCAGTGGCAGATGTAGGAGGCCTCGAAGGGCAGGCACTGGCCACCGTTGGCGCAGGGGTT-3'
Protein context (NP_060087.3, residues 157-177): PFEASYICHC[Pro167Ala]PSFHGPTCRQ